The following is an entry in ClinVar:

NM_001540.5(HSPB1):c.247A>T (p.Ser83Cys)

Gene: HSPB1 (heat shock protein family B (small) member 1; plus strand). Cytogenetic location: 7q11.23.
Variant type: single nucleotide variant.
Coding change: c.247A>T on transcript NM_001540.5 (MANE Select); coding-DNA position 247, A replaced by T.
Protein change: p.Ser83Cys; replaces serine 83 with cysteine.
Molecular consequence: missense variant.
Genome position (GRCh38, 1-based): chr7:76,302,959, A>T. VCF-style: chr7-76302959-A-T. GRCh37 (hg19) VCF-style: chr7-75932276-A-T.
Other names: short protein forms S83C.
Identifiers: ClinVar variation 1415902 (VCV001415902.8), dbSNP rs1178583914, ClinGen allele CA367763195.
Genomic context (GRCh38, chr7:76,302,959, plus strand): 5'-ATCGAGAGCCCCGCAGTGGCCGCGCCCGCCTACAGCCGCGCGCTCAGCCGGCAACTCAGC[A>T]GCGGGGTCTCGGAGATCCGGCACACTGCGGACCGCTGGCGCGTGTCCCTGGATGTCAACC-3'
Protein context (NP_001531.1, residues 73-93): YSRALSRQLS[Ser83Cys]GVSEIRHTAD

ClinVar aggregate classification (germline): Uncertain significance (1 of 4 stars; one submission).

Conditions:
Charcot-Marie-Tooth disease axonal type 2F (CMT2F). Also called: CHARCOT-MARIE-TOOTH DISEASE, NEURONAL, TYPE 2F; Charcot-Marie-Tooth Neuropathy Type 2F. Identifiers: Orphanet 99940, MedGen C1847823, MONDO:0011687, OMIM 606595.

Allele frequency attached by ClinVar (database versions not stated): TOPMed below 0.00001.

Submission:

Labcorp Genetics (formerly Invitae), Labcorp
Classification: Uncertain significance for Charcot-Marie-Tooth disease axonal type 2F. Last evaluated: 2020-11-21. Review status: criteria provided, single submitter. Criteria: Invitae Variant Classification Sherloc (09022015). Collection method: clinical testing. Allele origin: germline.
Comment: In summary, the available evidence is currently insufficient to determine the role of this variant in disease. Therefore, it has been classified as a Variant of Uncertain Significance. Algorithms developed to predict the effect of missense changes on protein structure and function (SIFT, PolyPhen-2, Align-GVGD) all suggest that this variant is likely to be disruptive, but these predictions have not been confirmed by published functional studies and their clinical significance is uncertain. This variant has not been reported in the literature in individuals with HSPB1-related conditions. The frequency data for this variant in the population databases is considered unreliable, as metrics indicate insufficient coverage at this position in the ExAC database. This sequence change replaces serine with cysteine at codon 83 of the HSPB1 protein (p.Ser83Cys). The serine residue is highly conserved and there is a moderate physicochemical difference between serine and cysteine.